The following is an entry in ClinVar:

ClinVar aggregate classification (germline): Benign/Likely benign. Review status: criteria provided, multiple submitters, no conflicts (2 of 4 stars). 5 submissions from 5 submitters: Benign (1); Likely benign (4). Last evaluated 2026-01-26.

Allele frequency attached by ClinVar (database versions not stated): gnomAD exomes 0.00057; ExAC 0.00193; ESP Exome Variant Server 0.00221; TOPMed 0.00276; gnomAD 0.00284; 1000 Genomes Project 0.00459; 1000 Genomes Project 30x 0.00468.

Submissions (5):

Labcorp Genetics (formerly Invitae), Labcorp
Classification: Benign. Last evaluated: 2026-01-26. Review status: criteria provided, single submitter. Criteria: Invitae Variant Classification Sherloc (09022015). Collection method: clinical testing. Allele origin: germline.

CeGaT Center for Human Genetics Tuebingen
Classification: Likely benign. Last evaluated: 2025-03-01. Review status: criteria provided, single submitter. Criteria: CeGaT Center For Human Genetics Tuebingen Variant Classification Criteria Version 2. Collection method: clinical testing. Allele origin: germline. Affected: yes. Observed: 1 variant allele.
Comment: LAMC3: BP4

GeneDx
Classification: Likely benign. Last evaluated: 2019-02-19. Review status: criteria provided, single submitter. Criteria: GeneDx Variant Classification Process June 2021. Collection method: clinical testing. Allele origin: germline. Affected: yes.

Genetic Services Laboratory, University of Chicago
Classification: Likely benign. Last evaluated: 2015-12-31. Review status: criteria provided, single submitter. Criteria: ACMG Guidelines, 2015. Collection method: clinical testing. Allele origin: germline. Affected: no.

Breakthrough Genomics
Classification: Likely benign. Review status: criteria provided, single submitter. Criteria: ACMG Guidelines, 2015. Collection method: not provided. Allele origin: germline. Inheritance: Autosomal recessive inheritance. Affected: yes.

NM_006059.4(LAMC3):c.368G>T (p.Arg123Leu)

Gene: LAMC3 (laminin subunit gamma 3; plus strand). Cytogenetic location: 9q34.12.
Variant type: single nucleotide variant.
Coding change: c.368G>T on transcript NM_006059.4 (MANE Select); coding-DNA position 368, G replaced by T.
Protein change: p.Arg123Leu; replaces arginine 123 with leucine.
Molecular consequence: missense variant.
Genome position (GRCh38, 1-based): chr9:131,009,582, G>T. VCF-style: chr9-131009582-G-T. GRCh37 (hg19) VCF-style: chr9-133884969-G-T.
Other names: short protein forms R123L.
Identifiers: ClinVar variation 382906 (VCV000382906.24), dbSNP rs140461419, ClinGen allele CA5286658.
Genomic context (GRCh38, chr9:131,009,582, plus strand): 5'-GGCAGAGCCCGTCCATGGCCTTCGGCGTGCAGTACCCCACCTCGGTCAACATCACCCTCC[G>T]CCTAGGTAAGCGCGGGCTGGGGGCACCGCCACCGCACCCCGTGTCCCCACTCCACTGGGG-3'
Protein context (NP_006050.3, residues 113-133): QYPTSVNITL[Arg123Leu]LGKAYEITYV